The following is an entry in ClinVar:

ClinVar aggregate classification (germline): Uncertain significance (1 of 4 stars; one submission).

Conditions:
ASTN2-related disorder. Also called: ASTN2-related condition.

Submission:

PreventionGenetics, part of Exact Sciences
Classification: Uncertain significance for ASTN2-related condition. Last evaluated: 2025-08-06. Review status: criteria provided, single submitter. Criteria: ACMG Guidelines, 2015. Collection method: clinical testing. Allele origin: germline.
Comment: The ASTN2 c.2953T>C variant is predicted to result in the amino acid substitution p.Cys985Arg. To our knowledge, this variant has not been reported in the literature or in a large population database, indicating this variant is rare. At this time, the clinical significance of this variant is uncertain due to the absence of conclusive functional and genetic evidence.

NM_001365068.1(ASTN2):c.3106T>C (p.Cys1036Arg)

Gene: ASTN2 (astrotactin 2; minus strand). Cytogenetic location: 9q33.1.
Variant type: single nucleotide variant.
Coding change: c.3106T>C on transcript NM_001365068.1 (MANE Select); coding-DNA position 3106, T replaced by C.
Protein change: p.Cys1036Arg; replaces cysteine 1036 with arginine.
Molecular consequence: missense variant.
Genome position (GRCh38, 1-based): chr9:116,620,410, A>G on the plus strand (T>C on the coding strand, the complement: ASTN2 is on the minus strand). VCF-style: chr9-116620410-A-G. GRCh37 (hg19) VCF-style: chr9-119382689-A-G.
Other names: c.262T>C, p.Cys88Arg (NM_001184734.1, NM_001184735.1, NM_198187.3 and 1 more transcripts); c.3094T>C, p.Cys1032Arg (NM_001365069.1); c.2953T>C, p.Cys985Arg (NM_014010.5); c.409T>C, p.Cys137Arg (NM_198186.3); short protein forms C1032R, C1036R, C137R, C88R, C985R.
Identifiers: ClinVar variation 3347132 (VCV003347132.2).